The following is an entry in ClinVar:

ClinVar aggregate classification (germline): Uncertain significance (1 of 4 stars; one submission).

Submission:

Labcorp Genetics (formerly Invitae), Labcorp
Classification: Uncertain significance. Last evaluated: 2022-06-03. Review status: criteria provided, single submitter. Criteria: Invitae Variant Classification Sherloc (09022015). Collection method: clinical testing. Allele origin: germline.
Comment: Algorithms developed to predict the effect of missense changes on protein structure and function are either unavailable or do not agree on the potential impact of this missense change (SIFT: "Deleterious"; PolyPhen-2: "Benign"; Align-GVGD: "Class C0"). This sequence change replaces glycine, which is neutral and non-polar, with arginine, which is basic and polar, at codon 369 of the MATN3 protein (p.Gly369Arg). This variant is not present in population databases (gnomAD no frequency). This variant has not been reported in the literature in individuals affected with MATN3-related conditions. ClinVar contains an entry for this variant (Variation ID: 1384545). In summary, the available evidence is currently insufficient to determine the role of this variant in disease. Therefore, it has been classified as a Variant of Uncertain Significance.

NM_002381.5(MATN3):c.1105G>C (p.Gly369Arg)

Genes: MATN3 (matrilin 3; minus strand), WDR35-DT (WDR35 divergent transcript; plus strand). Cytogenetic location: 2p24.1.
Variant type: single nucleotide variant.
Coding change: c.1105G>C on transcript NM_002381.5 (MANE Select); coding-DNA position 1105, G replaced by C.
Protein change: p.Gly369Arg; replaces glycine 369 with arginine.
Molecular consequence: missense variant.
Genome position (GRCh38, 1-based): chr2:20,000,504, C>G on the plus strand (G>C on the coding strand, the complement: MATN3 is on the minus strand). VCF-style: chr2-20000504-C-G. GRCh37 (hg19) VCF-style: chr2-20200265-C-G.
Other names: short protein forms G369R.
Identifiers: ClinVar variation 1384545 (VCV001384545.6), dbSNP rs2103481401, ClinGen allele CA345949600.